The following is an entry in ClinVar:

ClinVar aggregate classification (germline): Uncertain significance. Review status: criteria provided, multiple submitters, no conflicts (2 of 4 stars). 2 submissions from 2 submitters: Uncertain significance (2). Last evaluated 2023-02-23.

Conditions:
Multiple endocrine neoplasia, type 2 (MEN2). Identifiers: Orphanet 653, MedGen C4048306, MONDO:0019003. Disease mechanism: gain of function.
Hereditary cancer-predisposing syndrome. Also called: Neoplastic Syndromes, Hereditary; Hereditary neoplastic syndrome; Tumor predisposition; Hereditary Cancer Syndrome. Identifiers: Orphanet 140162, MedGen C0027672, MeSH D009386, MONDO:0015356.

Submissions (2):

Labcorp Genetics (formerly Invitae), Labcorp
Classification: Uncertain significance for Multiple endocrine neoplasia, type 2. Last evaluated: 2023-02-23. Review status: criteria provided, single submitter. Criteria: Invitae Variant Classification Sherloc (09022015). Collection method: clinical testing. Allele origin: germline.
Comment: In summary, the available evidence is currently insufficient to determine the role of this variant in disease. Therefore, it has been classified as a Variant of Uncertain Significance. An algorithm developed to predict the effect of missense changes on protein structure and function (PolyPhen-2) suggests that this variant is likely to be tolerated. This variant has not been reported in the literature in individuals affected with RET-related conditions. This variant is not present in population databases (gnomAD no frequency). This sequence change replaces isoleucine, which is neutral and non-polar, with threonine, which is neutral and polar, at codon 625 of the RET protein (p.Ile625Thr).

Ambry Genetics
Classification: Uncertain significance for Hereditary cancer-predisposing syndrome. Last evaluated: 2022-12-14. Review status: criteria provided, single submitter. Criteria: Ambry Variant Classification Scheme 2023. Collection method: clinical testing. Allele origin: germline.
Comment: The p.I625T variant (also known as c.1874T>C), located in coding exon 10 of the RET gene, results from a T to C substitution at nucleotide position 1874. The isoleucine at codon 625 is replaced by threonine, an amino acid with similar properties. This amino acid position is conserved. In addition, the in silico prediction for this alteration is inconclusive. Since supporting evidence is limited at this time, the clinical significance of this alteration remains unclear.

NM_020975.6(RET):c.1874T>C (p.Ile625Thr)

Gene: RET (ret proto-oncogene; plus strand). Cytogenetic location: 10q11.21.
Variant type: single nucleotide variant.
Coding change: c.1874T>C on transcript NM_020975.6 (MANE Select); coding-DNA position 1874, T replaced by C.
Protein change: p.Ile625Thr; replaces isoleucine 625 with threonine.
Molecular consequence: missense variant. On other transcripts: intron variant (2).
Genome position (GRCh38, 1-based): chr10:43,113,670, T>C. VCF-style: chr10-43113670-T-C. GRCh37 (hg19) VCF-style: chr10-43609118-T-C.
Other names: c.1874T>C, p.Ile625Thr (NM_000323.2, NM_001406743.1, NM_001406744.1 and 6 more transcripts); c.1112T>C, p.Ile371Thr (NM_001355216.2); c.1745T>C, p.Ile582Thr (NM_001406761.1, NM_001406762.1, NM_001406764.1 and 1 more transcripts); c.1586T>C, p.Ile529Thr (NM_001406766.1, NM_001406767.1, NM_001406770.1); c.1478T>C, p.Ile493Thr (NM_001406769.1, NM_001406772.1); c.1436T>C, p.Ile479Thr (NM_001406771.1, NM_001406773.1); c.1349T>C, p.Ile450Thr (NM_001406774.1); c.1148T>C, p.Ile383Thr (NM_001406775.1, NM_001406776.1, NM_001406777.1 and 1 more transcripts); and 7 more; short protein forms I479T, I142T, I283T, I371T, I383T, I625T, I230T, I450T.
Identifiers: ClinVar variation 2454132 (VCV002454132.5), dbSNP rs2538484204, ClinGen allele CA376552857.